The following is an entry in ClinVar:

ClinVar aggregate classification (germline): Benign/Likely benign. Review status: criteria provided, multiple submitters, no conflicts (2 of 4 stars). 15 submissions from 15 submitters: Benign (9); Likely benign (2). 4 of the submissions do not count toward it. Last evaluated 2025-07-31.

Conditions:
CFTR-related disorder (CFTR-RD). Also called: CFTR-related condition; CFTR-related disorders. Identifiers: MedGen C5924204, MONDO:7770004.
Inborn genetic diseases. Identifiers: MedGen C0950123, MeSH D030342.
Congenital bilateral aplasia of vas deferens from CFTR mutation (CBAVD). Identifiers: Orphanet 48, MedGen C0403814, MONDO:0010178, OMIM 277180. Disease mechanism: loss of function.
Cystic fibrosis (CF). Also called: MUCOVISCIDOSIS. Identifiers: Orphanet 586, MedGen C0010674, MONDO:0009061, OMIM 219700. Disease mechanism: loss of function.
Hereditary pancreatitis (PCTT). Also called: PRSS1-Related Hereditary Pancreatitis; Hereditary chronic pancreatitis. Identifiers: Orphanet 676, MedGen C0238339, MONDO:0008185, OMIM 167800.
Bronchiectasis with or without elevated sweat chloride 1 (BESC1). Also called: Cystic Fibrosis-Like Syndrome. Identifiers: Orphanet 60033, MedGen C2749757, MONDO:0008887, OMIM 211400.

Allele frequency attached by ClinVar (database versions not stated): gnomAD exomes 0.07129 and 0.07786; ExAC 0.07690; gnomAD 0.09484 and 0.09791; ESP Exome Variant Server 0.12292.
gnomAD v4.1: 122,513 of 1,542,054 alleles (7.9%); highest among the groups gnomAD compares: African/African-American, 13%; 4,489 homozygotes.

Submissions (15):

ARUP Laboratories, Molecular Genetics and Genomics, ARUP Laboratories
Classification: Benign. Last evaluated: 2025-07-31. Review status: criteria provided, single submitter. Criteria: ARUP Molecular Germline Variant Investigation Process 2024. Collection method: clinical testing. Allele origin: germline.

Quest Diagnostics Nichols Institute San Juan Capistrano
Classification: Benign. Last evaluated: 2025-02-06. Review status: criteria provided, single submitter. Criteria: Quest Diagnostics criteria. Collection method: clinical testing. Allele origin: unknown.

Blueprint Genetics
Classification: Benign. Last evaluated: 2024-11-27. Review status: criteria provided, single submitter. Criteria: ACMG Guidelines, 2015. Collection method: clinical testing. Allele origin: germline.

Mendelics
Classification: Benign. Last evaluated: 2022-05-04. Review status: criteria provided, single submitter. Criteria: Mendelics Assertion Criteria 2019. Collection method: clinical testing. Allele origin: germline.

Fulgent Genetics
Classification: Benign for Hereditary pancreatitis; Bronchiectasis with or without elevated sweat chloride 1; Cystic fibrosis; Congenital bilateral aplasia of vas deferens from CFTR mutation. Last evaluated: 2022-02-02. Review status: criteria provided, single submitter. Criteria: ACMG Guidelines, 2015. Collection method: clinical testing. Allele origin: unknown.

Labcorp Genetics (formerly Invitae), Labcorp
Classification: Benign for Cystic fibrosis. Last evaluated: 2021-12-18. Review status: criteria provided, single submitter. Criteria: Invitae Variant Classification Sherloc (09022015). Collection method: clinical testing. Allele origin: germline.

Ambry Genetics
Classification: Likely benign for Inborn genetic diseases. Last evaluated: 2018-10-09. Review status: criteria provided, single submitter. Criteria: Ambry Autosomal Dominant and X-Linked criteria (3/2017). Collection method: clinical testing. Allele origin: germline. Observed: 1 variant allele.
Comment: Other strong data

Illumina Laboratory Services, Illumina
Classification: Benign for CFTR-Related Disorders. Last evaluated: 2018-01-12. Review status: criteria provided, single submitter. Criteria: ICSL Variant Classification Criteria 13 December 2019. Collection method: clinical testing. Allele origin: germline.
Comment: This variant was observed in the ICSL laboratory as part of a predisposition screen in an ostensibly healthy population. It had not been previously curated by ICSL or reported in the Human Gene Mutation Database (HGMD: prior to June 1st, 2018), and was therefore a candidate for classification through an automated scoring system. Utilizing variant allele frequency, disease prevalence and penetrance estimates, and inheritance mode, an automated score was calculated to assess if this variant is too frequent to cause the disease. Based on the score and internal cut-off values, a variant classified as benign is not then subjected to further curation. The score for this variant resulted in a classification of benign for this disease.

Laboratory for Molecular Medicine, Mass General Brigham Personalized Medicine
Classification: Benign. Last evaluated: 2014-02-28. Review status: criteria provided, single submitter. Criteria: LMM Criteria. Collection method: clinical testing. Allele origin: germline. Observed: 18 variant alleles.

Eurofins Ntd Llc (ga)
Classification: Benign. Last evaluated: 2014-01-31. Review status: criteria provided, single submitter. Criteria: EGL Classification Definitions 2015. Collection method: clinical testing. Allele origin: germline. Observed: 10 variant alleles, 9 heterozygotes, 1 homozygote.

Breakthrough Genomics
Classification: Likely benign. Review status: criteria provided, single submitter. Criteria: ACMG Guidelines, 2015. Collection method: not provided. Allele origin: germline. Inheritance: Autosomal recessive inheritance. Affected: yes.

PreventionGenetics, part of Exact Sciences
Classification: Benign for CFTR-related condition. Last evaluated: 2021-12-29. Review status: no assertion criteria provided. Collection method: clinical testing. Allele origin: germline. Not counted in ClinVar's aggregate classification.
Comment: This variant is classified as benign based on ACMG/AMP sequence variant interpretation guidelines (Richards et al. 2015 PMID: 25741868, with internal and published modifications).

Natera, Inc.
Classification: Benign for CFTR-related disorders. Last evaluated: 2017-05-10. Review status: no assertion criteria provided. Collection method: clinical testing. Allele origin: germline. Not counted in ClinVar's aggregate classification.

Diagnostic Laboratory, Department of Genetics, University Medical Center Groningen
Classification: Benign. Review status: no assertion criteria provided. Collection method: clinical testing. Allele origin: germline. Affected: yes. Study: VKGL Data-share Consensus. Not counted in ClinVar's aggregate classification.

Genome Diagnostics Laboratory, University Medical Center Utrecht
Classification: Benign. Review status: no assertion criteria provided. Collection method: clinical testing. Allele origin: germline. Affected: yes. Study: VKGL Data-share Consensus. Not counted in ClinVar's aggregate classification.

NM_000492.4(CFTR):c.1210-13G>T

Genes: CFTR (CF transmembrane conductance regulator; plus strand), CFTR-AS1 (CFTR antisense RNA 1; minus strand). Cytogenetic location: 7q31.2.
Variant type: single nucleotide variant.
Coding change: c.1210-13G>T on transcript NM_000492.4 (MANE Select); 13 bases into the intron before coding-DNA position 1210, G replaced by T.
Molecular consequence: intron variant.
Genome position (GRCh38, 1-based): chr7:117,548,628, G>T. VCF-style: chr7-117548628-G-T. GRCh37 (hg19) VCF-style: chr7-117188682-G-T.
Other names: c.1210-14_1210-13delinsTT (NM_000492.3).
Identifiers: ClinVar variation 162962 (VCV000162962.48), dbSNP rs10229820, ClinGen allele CA175537.